The following is an entry in ClinVar:

ClinVar aggregate classification (germline): Pathogenic (1 of 4 stars; one submission).

Conditions:
Ataxia-telangiectasia syndrome (AT). Also called: LOUIS-BAR SYNDROME; ATAXIA-TELANGIECTASIA, COMPLEMENTATION GROUP A; ATAXIA-TELANGIECTASIA, FRESNO VARIANT; Ataxia-telangiectasia, complementation group D; AT, COMPLEMENTATION GROUP C; Ataxia-telangiectasia. Identifiers: Orphanet 100, MedGen C0004135, MONDO:0008840, OMIM 208900.

Submission:

Labcorp Genetics (formerly Invitae), Labcorp
Classification: Pathogenic for Ataxia-telangiectasia syndrome. Last evaluated: 2024-05-21. Review status: criteria provided, single submitter. Criteria: Invitae Variant Classification Sherloc (09022015). Collection method: clinical testing. Allele origin: germline.
Comment: This sequence change creates a premature translational stop signal (p.Gly294*) in the ATM gene. It is expected to result in an absent or disrupted protein product. Loss-of-function variants in ATM are known to be pathogenic (PMID: 23807571, 25614872). This variant is not present in population databases (gnomAD no frequency). This variant has not been reported in the literature in individuals affected with ATM-related conditions. For these reasons, this variant has been classified as Pathogenic.

Literature cited by the submitters: PubMed 23807571; PubMed 25614872.

NM_000051.4(ATM):c.880G>T (p.Gly294Ter)

Gene: ATM (ATM serine/threonine kinase; plus strand). Cytogenetic location: 11q22.3.
Variant type: single nucleotide variant.
Coding change: c.880G>T on transcript NM_000051.4 (MANE Select); coding-DNA position 880, G replaced by T.
Protein change: p.Gly294Ter; replaces glycine 294 with a stop codon.
Molecular consequence: nonsense.
Genome position (GRCh38, 1-based): chr11:108,245,005, G>T. VCF-style: chr11-108245005-G-T. GRCh37 (hg19) VCF-style: chr11-108115732-G-T.
Other names: c.880G>T, p.Gly294Ter (NM_001351834.2); short protein forms G294*.
Identifiers: ClinVar variation 3673118 (VCV003673118.2).